The following is an entry in ClinVar:

ClinVar aggregate classification (germline): Uncertain significance. Review status: criteria provided, multiple submitters, no conflicts (2 of 4 stars). 3 submissions from 3 submitters: Uncertain significance (3). Last evaluated 2025-10-16.

Conditions:
Hereditary cancer-predisposing syndrome. Also called: Hereditary neoplastic syndrome; Hereditary Cancer Syndrome; Neoplastic Syndromes, Hereditary; Tumor predisposition. Identifiers: Orphanet 140162, MedGen C0027672, MeSH D009386, MONDO:0015356.
Familial cancer of breast. Also called: Hereditary breast cancer; BREAST CANCER, FAMILIAL; hereditary breast carcinoma. Identifiers: Orphanet 227535, MedGen C0346153, MONDO:0016419, OMIM 114480. Disease mechanism: loss of function.

Allele frequency attached by ClinVar (database versions not stated): gnomAD exomes below 0.00001.
gnomAD v4.1: 1 of 1,614,170 alleles (0.000062%); highest among the groups gnomAD compares: South Asian, 0.0011%; no homozygotes.

Submissions (3):

Labcorp Genetics (formerly Invitae), Labcorp
Classification: Uncertain significance for Familial cancer of breast. Last evaluated: 2025-10-16. Review status: criteria provided, single submitter. Criteria: Invitae Variant Classification Sherloc (09022015). Collection method: clinical testing. Allele origin: germline.
Comment: This sequence change replaces proline, which is neutral and non-polar, with serine, which is neutral and polar, at codon 726 of the BARD1 protein (p.Pro726Ser). This variant is not present in population databases (gnomAD no frequency). This variant has not been reported in the literature in individuals affected with BARD1-related conditions. ClinVar contains an entry for this variant (Variation ID: 229941). An algorithm developed to predict the effect of missense changes on protein structure and function (PolyPhen-2) suggests that this variant is likely to be tolerated. In summary, the available evidence is currently insufficient to determine the role of this variant in disease. Therefore, it has been classified as a Variant of Uncertain Significance.

Color Diagnostics, LLC DBA Color Health
Classification: Uncertain significance for Hereditary cancer-predisposing syndrome. Last evaluated: 2023-12-05. Review status: criteria provided, single submitter. Criteria: ACMG Guidelines, 2015. Collection method: clinical testing. Allele origin: germline.
Comment: This missense variant replaces proline with serine at codon 726 of the BARD1 protein. Computational prediction suggests that this variant may not impact protein structure and function (internally defined REVEL score threshold <= 0.5, PMID: 27666373). To our knowledge, functional studies have not been reported for this variant. This variant has not been reported in individuals affected with BARD1-related disorders in the literature. This variant has not been identified in the general population by the Genome Aggregation Database (gnomAD). The available evidence is insufficient to determine the role of this variant in disease conclusively. Therefore, this variant is classified as a Variant of Uncertain Significance.

Ambry Genetics
Classification: Uncertain significance for Hereditary cancer-predisposing syndrome. Last evaluated: 2015-01-09. Review status: criteria provided, single submitter. Criteria: Ambry Variant Classification Scheme 2023. Collection method: clinical testing. Allele origin: germline.
Comment: The p.P726S variant (also known as c.2176C>T), located in coding exon 11 of the BARD1 gene, results from a C to T substitution at nucleotide position 2176. The proline at codon 726 is replaced by serine, an amino acid with similar properties. This variant was not reported in population based cohorts in the following databases: Database of Single Nucleotide Polymorphisms (dbSNP), NHLBI Exome Sequencing Project (ESP), and 1000 Genomes Project. In the ESP, this variant was not observed in 6503 samples (13006 alleles) with coverage at this position. To date, this alteration has been detected with an allele frequency of approximately 0.003% (greater than 30000 alleles tested) in our clinical cohort. This amino acid position is well conserved in available vertebrate species. In addition, this alteration is predicted to be tolerated by in silico analysis. Since supporting evidence is limited at this time, the clinical significance of p.P726S remains unclear.

NM_000465.4(BARD1):c.2176C>T (p.Pro726Ser)

Gene: BARD1 (BRCA1 associated RING domain 1; minus strand). Cytogenetic location: 2q35.
Variant type: single nucleotide variant.
Coding change: c.2176C>T on transcript NM_000465.4 (MANE Select); coding-DNA position 2176, C replaced by T.
Protein change: p.Pro726Ser; replaces proline 726 with serine.
Molecular consequence: missense variant. On other transcripts: non-coding transcript variant (3).
Genome position (GRCh38, 1-based): chr2:214,728,834, G>A on the plus strand (C>T on the coding strand, the complement: BARD1 is on the minus strand). VCF-style: chr2-214728834-G-A. GRCh37 (hg19) VCF-style: chr2-215593558-G-A.
Other names: c.2119C>T, p.Pro707Ser (NM_001282543.2); c.823C>T, p.Pro275Ser (NM_001282545.2); c.766C>T, p.Pro256Ser (NM_001282548.2); c.637C>T, p.Pro213Ser (NM_001282549.2); short protein forms P726S, P707S, P213S, P256S, P275S.
Identifiers: ClinVar variation 229941 (VCV000229941.11), dbSNP rs876658286, ClinGen allele CA10577765.
Genomic context (GRCh38, chr2:214,728,834, plus strand): 5'-GATAATTACACAAATCTTCATAGATGATATACTGTGTGCAGAAGCGCTGATCAGAATCGG[G>A]TCTCGCATGGTATGCGACTGTATTGATGGTCTGAGTCACGTCACTGTCTGGCTTGGGCTT-3'
Protein context (NP_000456.2, residues 716-736): TINTVAYHAR[Pro726Ser]DSDQRFCTQY